The following is an entry in ClinVar:

ClinVar aggregate classification (germline): Benign/Likely benign. Review status: criteria provided, multiple submitters, no conflicts (2 of 4 stars). 6 submissions from 6 submitters: Benign (1); Likely benign (4). 1 of the submissions does not count toward it. Last evaluated 2025-08-31.

Conditions:
Hereditary cancer-predisposing syndrome. Also called: Tumor predisposition; Neoplastic Syndromes, Hereditary; Hereditary neoplastic syndrome; Hereditary Cancer Syndrome. Identifiers: Orphanet 140162, MedGen C0027672, MeSH D009386, MONDO:0015356.
Hereditary breast ovarian cancer syndrome. Also called: Hereditary breast and ovarian cancer; Hereditary breast and ovarian cancer syndrome (HBOC); Hereditary breast and/or ovarian cancer syndrome; Breast and ovarian cancer; Hereditary breast and ovarian cancer syndrome; BRCA1- and BRCA2-Associated Hereditary Breast and Ovarian Cancer. Identifiers: Orphanet 145, MedGen C0677776, MeSH D061325, MONDO:0003582. Disease mechanism: loss of function.
Breast-ovarian cancer, familial, susceptibility to, 2 (BROVCA2). Also called: BRCA2 Hereditary Breast and Ovarian Cancer. Identifiers: Orphanet 145, MedGen C2675520, MONDO:0012933, OMIM 612555. Disease mechanism: loss of function.

gnomAD v4.1: 18 of 1,613,892 alleles (0.0011%); highest among the groups gnomAD compares: Non-Finnish European, 0.0014%; no homozygotes.

Submissions (6):

Labcorp Genetics (formerly Invitae), Labcorp
Classification: Benign for Hereditary breast ovarian cancer syndrome. Last evaluated: 2025-08-31. Review status: criteria provided, single submitter. Criteria: Invitae Variant Classification Sherloc (09022015). Collection method: clinical testing. Allele origin: germline.

All of Us Research Program, National Institutes of Health
Classification: Likely benign for Breast-ovarian cancer, familial, susceptibility to, 2. Last evaluated: 2023-12-13. Review status: criteria provided, single submitter. Criteria: ACMG Guidelines, 2015. Collection method: clinical testing. Allele origin: germline. Inheritance: Autosomal dominant inheritance. Observed: 1 variant allele, 1 heterozygote.
Comment: This study involves interpretation of variants in research participants for the purpose of population health screening. Participant phenotype was not available at the time of variant classification. Additional details can be found in publication PMID: 35346344, PMCID: PMC8962531

Color Diagnostics, LLC DBA Color Health
Classification: Likely benign for Hereditary cancer-predisposing syndrome. Last evaluated: 2022-05-25. Review status: criteria provided, single submitter. Criteria: ACMG Guidelines, 2015. Collection method: clinical testing. Allele origin: germline.

Women's Health and Genetics/Laboratory Corporation of America, LabCorp
Classification: Likely benign. Last evaluated: 2020-09-28. Review status: criteria provided, single submitter. Criteria: LabCorp Variant Classification Summary - May 2015. Collection method: clinical testing. Allele origin: germline.
Comment: Variant summary: BRCA2 c.9502-12T>C alters a non-conserved nucleotide located close to a canonical splice site and therefore could affect mRNA splicing, leading to a significantly altered protein sequence. 4/4 computational tools predict no significant impact on normal splicing. However, these predictions have yet to be confirmed by functional studies. The variant was absent in 251114 control chromosomes. The available data on variant occurrences in the general population are insufficient to allow any conclusion about variant significance. To our knowledge, no occurrence of c.9502-12T>C in individuals affected with Hereditary Breast And Ovarian Cancer Syndrome and no experimental evidence demonstrating its impact on protein function have been reported. Two clinical diagnostic laboratories have submitted clinical-significance assessments for this variant to ClinVar after 2014 without evidence for independent evaluation. All laboratories classified the variant as benign/likely benign. Based on the evidence outlined above, the variant was re-classified as likely benign.

GeneDx
Classification: Likely benign. Last evaluated: 2017-03-27. Review status: criteria provided, single submitter. Criteria: GeneDx Variant Classification (06012015). Collection method: clinical testing. Allele origin: germline. Affected: yes.
Comment: This variant is considered likely benign or benign based on one or more of the following criteria: it is a conservative change, it occurs at a poorly conserved position in the protein, it is predicted to be benign by multiple in silico algorithms, and/or has population frequency not consistent with disease.

Sharing Clinical Reports Project (SCRP)
Classification: Benign for Breast-ovarian cancer, familial 2. Last evaluated: 2011-04-01. Review status: no assertion criteria provided. Collection method: clinical testing. Allele origin: germline. Not counted in ClinVar's aggregate classification.

NM_000059.4(BRCA2):c.9502-12T>C

Gene: BRCA2 (BRCA2 DNA repair associated; plus strand). Cytogenetic location: 13q13.1.
Variant type: single nucleotide variant.
Coding change: c.9502-12T>C on transcript NM_000059.4 (MANE Select); 12 bases into the intron before coding-DNA position 9502, T replaced by C.
Molecular consequence: intron variant.
Genome position (GRCh38, 1-based): chr13:32,396,886, T>C. VCF-style: chr13-32396886-T-C. GRCh37 (hg19) VCF-style: chr13-32971023-T-C.
Other names: IVS25-12T>C.
Identifiers: ClinVar variation 38244 (VCV000038244.15), dbSNP rs81002803, ClinGen allele CA026187.
Genomic context (GRCh38, chr13:32,396,886, plus strand): 5'-AGGAAATACTTTTGGAAACATAAATATGTGGGTTTGCAATTTATAAAGCAGCTTTTCCAC[T>C]TATTTTCTTAGAATATTGACATACTTTGCAATGAAGCAGAAAACAAGCTTATGCATATAC-3'